The following is an entry in ClinVar:

NM_004006.3(DMD):c.5884_5891del (p.Lys1962fs)

Gene: DMD (dystrophin; minus strand). Cytogenetic location: Xp21.1.
Variant type: Deletion.
Coding change: c.5884_5891del on transcript NM_004006.3 (MANE Select); coding-DNA positions 5884 to 5891, 8 bases deleted (AAATTTGC; older notation c.5884_5891delAAATTTGC).
Protein change: p.Lys1962fs; shifts the reading frame from lysine 1962.
Molecular consequence: frameshift variant.
Genome position (GRCh38, 1-based): chrX:32,342,131-32,342,138, GCAAATTT deleted on the plus strand (AAATTTGC on the coding strand, the reverse complement: DMD is on the minus strand); deleting any 8 consecutive bases within chrX:32,342,131-32,342,140 gives the same sequence; the c. name uses the placement nearest the transcript's 3' end. VCF-style (leftmost placement, unchanged base first): chrX-32342130-AGCAAATTT-A. GRCh37 (hg19) VCF-style: chrX-32360247-AGCAAATTT-A.
Other names: c.5860_5867del, p.Lys1954fs (NM_000109.4); c.5872_5879del, p.Lys1958fs (NM_004009.3); c.5515_5522del, p.Lys1839fs (NM_004010.3); c.1861_1868del, p.Lys621fs (NM_004011.4); c.1852_1859del, p.Lys618fs (NM_004012.4); c.5884_5891delAAATTTGC (NM_004006.2); short protein forms K1958fs, K1962fs, K1839fs, K618fs, K621fs, K1954fs.
Identifiers: ClinVar variation 409923 (VCV000409923.8), dbSNP rs1060502646, ClinGen allele CA16616668.

ClinVar aggregate classification (germline): Pathogenic (1 of 4 stars; one submission).

Conditions:
Duchenne muscular dystrophy (DMD). Also called: MUSCULAR DYSTROPHY, PSEUDOHYPERTROPHIC PROGRESSIVE, DUCHENNE TYPE; Duchenne Muscular Dystrophy (DMD). Identifiers: Orphanet 98896, MedGen C0013264, MONDO:0010679, OMIM 310200.

Submission:

Labcorp Genetics (formerly Invitae), Labcorp
Classification: Pathogenic for Duchenne muscular dystrophy. Last evaluated: 2016-07-18. Review status: criteria provided, single submitter. Criteria: Invitae Variant Classification Sherloc (09022015). Collection method: clinical testing. Allele origin: germline.
Comment: For these reasons, this variant has been classified as Pathogenic. While this particular variant has not been reported in the literature, truncating variants in DMD are known to be pathogenic (PMID: 16770791). This sequence change deletes 8 nucleotides from exon 41 of the DMD mRNA (c.5884_5891delAAATTTGC), causing a frameshift at codon 1962. This creates a premature translational stop signal (p.Lys1962Serfs*15) and is expected to result in an absent or disrupted protein product.

Literature cited by the submitters: PubMed 16770791.